The following is an entry in ClinVar:

ClinVar aggregate classification (germline): Uncertain significance. Review status: criteria provided, multiple submitters, no conflicts (2 of 4 stars). 2 submissions from 2 submitters: Uncertain significance (2). Last evaluated 2025-08-28.

Conditions:
Inborn genetic diseases. Identifiers: MedGen C0950123, MeSH D030342.

Allele frequency attached by ClinVar (database versions not stated): ESP Exome Variant Server 0.00008.
gnomAD v4.1: 4 of 1,613,416 alleles (0.00025%); highest among the groups gnomAD compares: African/African-American, 0.0027%; no homozygotes.

Submissions (2):

Ambry Genetics
Classification: Uncertain significance for Inborn genetic diseases. Last evaluated: 2025-08-28. Review status: criteria provided, single submitter. Criteria: Ambry Variant Classification Scheme 2023. Collection method: clinical testing. Allele origin: germline.

Labcorp Genetics (formerly Invitae), Labcorp
Classification: Uncertain significance. Last evaluated: 2023-10-13. Review status: criteria provided, single submitter. Criteria: Invitae Variant Classification Sherloc (09022015). Collection method: clinical testing. Allele origin: germline.
Comment: This sequence change replaces arginine, which is basic and polar, with proline, which is neutral and non-polar, at codon 106 of the ATF6 protein (p.Arg106Pro). This variant is not present in population databases (gnomAD no frequency). This variant has not been reported in the literature in individuals affected with ATF6-related conditions. ClinVar contains an entry for this variant (Variation ID: 1519692). Advanced modeling of protein sequence and biophysical properties (such as structural, functional, and spatial information, amino acid conservation, physicochemical variation, residue mobility, and thermodynamic stability) performed at Invitae indicates that this missense variant is not expected to disrupt ATF6 protein function. In summary, the available evidence is currently insufficient to determine the role of this variant in disease. Therefore, it has been classified as a Variant of Uncertain Significance.

NM_007348.4(ATF6):c.317G>C (p.Arg106Pro)

Gene: ATF6 (activating transcription factor 6; plus strand). Cytogenetic location: 1q23.3.
Variant type: single nucleotide variant.
Coding change: c.317G>C on transcript NM_007348.4 (MANE Select); coding-DNA position 317, G replaced by C.
Protein change: p.Arg106Pro; replaces arginine 106 with proline.
Molecular consequence: missense variant.
Genome position (GRCh38, 1-based): chr1:161,784,059, G>C. VCF-style: chr1-161784059-G-C. GRCh37 (hg19) VCF-style: chr1-161753849-G-C.
Other names: c.317G>C (NM_007348.3); short protein forms R106P.
Identifiers: ClinVar variation 1519692 (VCV001519692.9), dbSNP rs149683955, ClinGen allele CA1214165.
Genomic context (GRCh38, chr1:161,784,059, plus strand): 5'-TTAAGGCAGAACCTCAGCCACTTTCTCCAGCCTCCTCAAGTTATTCAGTCTCGTCTCCTC[G>C]GTCAGTGGACTCTTATTCTTCAACTCAGCATGTTCCTGTGAGTAGCCAGTCTTTTACAAT-3'
Protein context (NP_031374.2, residues 96-116): ASSSYSVSSP[Arg106Pro]SVDSYSSTQH